The following is an entry in ClinVar:

ClinVar aggregate classification (germline): Uncertain significance (1 of 4 stars; one submission).

gnomAD v4.1: 7 of 1,538,410 alleles (0.00046%); highest among the groups gnomAD compares: East Asian, 0.0025%; no homozygotes.

Submission:

Labcorp Genetics (formerly Invitae), Labcorp
Classification: Uncertain significance. Last evaluated: 2024-09-08. Review status: criteria provided, single submitter. Criteria: Invitae Variant Classification Sherloc (09022015). Collection method: clinical testing. Allele origin: germline.
Comment: This sequence change replaces arginine, which is basic and polar, with tryptophan, which is neutral and slightly polar, at codon 828 of the CACNA1E protein (p.Arg828Trp). This variant is not present in population databases (gnomAD no frequency). This variant has not been reported in the literature in individuals affected with CACNA1E-related conditions. Invitae Evidence Modeling of protein sequence and biophysical properties (such as structural, functional, and spatial information, amino acid conservation, physicochemical variation, residue mobility, and thermodynamic stability) has been performed for this missense variant. However, the output from this modeling did not meet the statistical confidence thresholds required to predict the impact of this variant on CACNA1E protein function. In summary, the available evidence is currently insufficient to determine the role of this variant in disease. Therefore, it has been classified as a Variant of Uncertain Significance.

NM_001205293.3(CACNA1E):c.2482C>T (p.Arg828Trp)

Gene: CACNA1E (calcium voltage-gated channel subunit alpha1 E; plus strand). Cytogenetic location: 1q25.3.
Variant type: single nucleotide variant.
Coding change: c.2482C>T on transcript NM_001205293.3 (MANE Select); coding-DNA position 2482, C replaced by T.
Protein change: p.Arg828Trp; replaces arginine 828 with tryptophan.
Molecular consequence: missense variant.
Genome position (GRCh38, 1-based): chr1:181,732,568, C>T. VCF-style: chr1-181732568-C-T. GRCh37 (hg19) VCF-style: chr1-181701704-C-T.
Other names: c.2482C>T, p.Arg828Trp (NM_000721.4); c.2425C>T, p.Arg809Trp (NM_001205294.2); short protein forms R809W, R828W.
Identifiers: ClinVar variation 3622748 (VCV003622748.2).